The following is an entry in ClinVar:

NM_014043.4(CHMP2B):c.560G>A (p.Ser187Asn)

Gene: CHMP2B (charged multivesicular body protein 2B; plus strand). Cytogenetic location: 3p11.2.
Variant type: single nucleotide variant.
Coding change: c.560G>A on transcript NM_014043.4 (MANE Select); coding-DNA position 560, G replaced by A.
Protein change: p.Ser187Asn; replaces serine 187 with asparagine.
Molecular consequence: missense variant.
Genome position (GRCh38, 1-based): chr3:87,253,740, G>A. VCF-style: chr3-87253740-G-A. GRCh37 (hg19) VCF-style: chr3-87302890-G-A.
Other names: c.437G>A, p.Ser146Asn (NM_001244644.2); short protein forms S187N, S146N.
Identifiers: ClinVar variation 260314 (VCV000260314.35), dbSNP rs78268395, ClinGen allele CA2501038.

ClinVar aggregate classification (germline): Benign/Likely benign. Review status: criteria provided, multiple submitters, no conflicts (2 of 4 stars). 10 submissions from 10 submitters: Benign (8); Likely benign (2). Last evaluated 2026-08-01.

Conditions:
Frontotemporal dementia and/or amyotrophic lateral sclerosis 7 (FTDALS7). Also called: AMYOTROPHIC LATERAL SCLEROSIS, CHMP2B-RELATED; Amyotrophic lateral sclerosis 17; CHMP2B-Related Frontotemporal Dementia-Amyotrophic Lateral Sclerosis; CHMP2B-related frontotemporal dementia. Identifiers: Orphanet 275864, Orphanet 282, Orphanet 803, MedGen C1833296, MONDO:0010936, OMIM 600795.

Allele frequency attached by ClinVar (database versions not stated): gnomAD exomes 0.00058 and 0.00153; ExAC 0.00194; gnomAD 0.00658 and 0.00705; ESP Exome Variant Server 0.00700; TOPMed 0.00730; 1000 Genomes Project 0.00739; 1000 Genomes Project 30x 0.00812.
gnomAD v4.1: 1,874 of 1,612,490 alleles (0.12%); highest among the groups gnomAD compares: African/African-American, 2.2%; 17 homozygotes.

Submissions (10):

CeGaT Center for Human Genetics Tuebingen
Classification: Benign. Last evaluated: 2026-08-01. Review status: criteria provided, single submitter. Criteria: CeGaT Center For Human Genetics Tuebingen Variant Classification Criteria Version 2. Collection method: clinical testing. Allele origin: germline. Affected: yes. Observed: 2 variant alleles.
Comment: CHMP2B: BP4, BS1, BS2

Labcorp Genetics (formerly Invitae), Labcorp
Classification: Benign for Frontotemporal dementia and/or amyotrophic lateral sclerosis 7. Last evaluated: 2026-01-27. Review status: criteria provided, single submitter. Criteria: Invitae Variant Classification Sherloc (09022015). Collection method: clinical testing. Allele origin: germline.

Mayo Clinic Laboratories, Mayo Clinic
Classification: Benign. Last evaluated: 2023-04-03. Review status: criteria provided, single submitter. Criteria: ACMG Guidelines, 2015. Collection method: clinical testing. Allele origin: germline. Observed: 3 variant alleles.
Comment: BS1, BS2

GeneDx
Classification: Likely benign. Last evaluated: 2020-11-08. Review status: criteria provided, single submitter. Criteria: GeneDx Variant Classification Process June 2021. Collection method: clinical testing. Allele origin: germline. Affected: yes.
Comment: See Variant Classification Assertion Criteria.

Illumina Laboratory Services, Illumina
Classification: Benign for Frontotemporal dementia and/or amyotrophic lateral sclerosis 7. Last evaluated: 2018-01-12. Review status: criteria provided, single submitter. Criteria: ICSL Variant Classification Criteria 13 December 2019. Collection method: clinical testing. Allele origin: germline.
Comment: This variant was observed in the ICSL laboratory as part of a predisposition screen in an ostensibly healthy population. It had not been previously curated by ICSL or reported in the Human Gene Mutation Database (HGMD: prior to June 1st, 2018), and was therefore a candidate for classification through an automated scoring system. Utilizing variant allele frequency, disease prevalence and penetrance estimates, and inheritance mode, an automated score was calculated to assess if this variant is too frequent to cause the disease. Based on the score and internal cut-off values, a variant classified as benign is not then subjected to further curation. The score for this variant resulted in a classification of benign for this disease.

Center for Pediatric Genomic Medicine, Children's Mercy Hospital and Clinics
Classification: Benign. Last evaluated: 2017-02-27. Review status: criteria provided, single submitter. Criteria: ACMG Guidelines, 2015. Collection method: clinical testing. Allele origin: germline.

Athena Diagnostics
Classification: Benign. Last evaluated: 2016-11-30. Review status: criteria provided, single submitter. Criteria: Athena Diagnostics Criteria. Collection method: clinical testing. Allele origin: germline.

Eurofins Ntd Llc (ga)
Classification: Benign. Last evaluated: 2016-07-19. Review status: criteria provided, single submitter. Criteria: EGL Classification Definitions 2015. Collection method: clinical testing. Allele origin: germline. Observed: 1 variant allele, 1 heterozygote.

Breakthrough Genomics
Classification: Likely benign. Review status: criteria provided, single submitter. Criteria: ACMG Guidelines, 2015. Collection method: not provided. Allele origin: germline. Inheritance: Autosomal dominant inheritance. Affected: yes.

PreventionGenetics, part of Exact Sciences
Classification: Benign. Review status: criteria provided, single submitter. Criteria: ACMG Guidelines, 2015. Collection method: clinical testing. Allele origin: germline.

Literature cited by the submitters: PubMed 20592581 (cited by Mayo Clinic Laboratories, Mayo Clinic and Athena Diagnostics); PubMed 20625756 (cited by Mayo Clinic Laboratories, Mayo Clinic and Athena Diagnostics).